The following is an entry in ClinVar:

NM_001005388.3(NFASC):c.3207C>T (p.Pro1069=)

Gene: NFASC (neurofascin; plus strand). Cytogenetic location: 1q32.1.
Variant type: single nucleotide variant.
Coding change: c.3207C>T on transcript NM_001005388.3 (MANE Select); coding-DNA position 3207, C replaced by T.
Protein change: p.Pro1069=; no amino-acid change (proline 1069 retained).
Molecular consequence: synonymous variant. On other transcripts: intron variant (4).
Genome position (GRCh38, 1-based): chr1:205,002,666, C>T. VCF-style: chr1-205002666-C-T. GRCh37 (hg19) VCF-style: chr1-204971794-C-T.
Other names: c.3528C>T, p.Pro1176= (NM_001378329.1); c.3092-6891C>T (NM_001160332.2); c.3077-6891C>T (NM_015090.4); c.2756-6891C>T (NM_001365986.1); c.3137-6891C>T (NM_001160331.2).
Identifiers: ClinVar variation 3042744 (VCV003042744.6), dbSNP rs538088087, ClinGen allele CA1350696.

ClinVar aggregate classification (germline): Likely benign. Review status: criteria provided, single submitter (1 of 4 stars). 2 submissions from 2 submitters: Likely benign (1). 1 of the submissions does not count toward it. Last evaluated 2026-01-01.

Conditions:
NFASC-related disorder. Also called: NFASC-related condition.

Allele frequency attached by ClinVar (database versions not stated): gnomAD exomes 0.00005; TOPMed 0.00009; ExAC 0.00010; gnomAD 0.00010; 1000 Genomes Project 0.00040; 1000 Genomes Project 30x 0.00062.
gnomAD v4.1: 88 of 1,587,914 alleles (0.0055%); highest among the groups gnomAD compares: African/African-American, 0.028%; no homozygotes.

Submissions (2):

CeGaT Center for Human Genetics Tuebingen
Classification: Likely benign. Last evaluated: 2026-01-01. Review status: criteria provided, single submitter. Criteria: CeGaT Center For Human Genetics Tuebingen Variant Classification Criteria Version 2. Collection method: clinical testing. Allele origin: germline. Affected: yes. Observed: 1 variant allele.
Comment: NFASC: BP4, BP7

PreventionGenetics, part of Exact Sciences
Classification: Likely benign for NFASC-related condition. Last evaluated: 2019-06-26. Review status: no assertion criteria provided. Collection method: clinical testing. Allele origin: germline. Not counted in ClinVar's aggregate classification.
Comment: This variant is classified as likely benign based on ACMG/AMP sequence variant interpretation guidelines (Richards et al. 2015 PMID: 25741868, with internal and published modifications).